The following is an entry in ClinVar:

NM_000258.3(MYL3):c.453_454insCTCACTCGACCTTCTCACTTCTCCATAGGTGTCAGCGCCTACCACCAGGGGGCCTGGCAAATCAGCATGGATCCA (p.Ala151_Glu152insLeuThrArgProSerHisPheSerIleGlyValSerAlaTyrHisGlnGlyAlaTrpGlnIleSerMetAspPro)

Gene: MYL3 (myosin light chain 3; minus strand). Cytogenetic location: 3p21.31.
Variant type: Insertion.
Coding change: c.453_454insCTCACTCGACCTTCTCACTTCTCCATAGGTGTCAGCGCCTACCACCAGGGGGCCTGGCAAATCAGCATGGATCCA on transcript NM_000258.3 (MANE Select); coding-DNA positions 453 to 454, CTCACTCGACCTTCTCACTTCTCCATAGGTGTCAGCGCCTACCACCAGGGGGCCTGGCAAATCAGCATGGATCCA inserted.
Protein change: p.Ala151_Glu152insLeuThrArgProSerHisPheSerIleGlyValSerAlaTyrHisGlnGlyAlaTrpGlnIleSerMetAspPro.
Molecular consequence: inframe insertion.
Genome position: GRCh38: chr3:46,859,502-46,859,503. GRCh37 (hg19): chr3:46,900,992-46,900,993.
Other names: c.453_454insCTCACTCGACCTTCTCACTTCTCCATAGGTGTCAGCGCCTACCACCAGGGGGCCTGGCAAATCAGCATGGATCCA, p.Ala151_Glu152insLeuThrArgProSerHisPheSerIleGlyValSerAlaTyrHisGlnGlyAlaTrpGlnIleSerMetAspPro (NM_001406937.1, NM_001406938.1, NM_001406939.1); c.279_280insCTCACTCGACCTTCTCACTTCTCCATAGGTGTCAGCGCCTACCACCAGGGGGCCTGGCAAATCAGCATGGATCCA, p.Ala93_Glu94insLeuThrArgProSerHisPheSerIleGlyValSerAlaTyrHisGlnGlyAlaTrpGlnIleSerMetAspPro (NM_001406940.1, NM_001406941.1).
Identifiers: ClinVar variation 3070758 (VCV003070758.1), dbSNP rs2544964962, ClinGen allele CA2825001245.

ClinVar aggregate classification (germline): Uncertain significance (1 of 4 stars; one submission).

Conditions:
Hypertrophic cardiomyopathy. Also called: HYPERTROPHIC MYOCARDIOPATHY. Identifiers: Orphanet 217569, MedGen C0007194, MeSH D002312, MONDO:0005045, HP:0001639.

Submission:

All of Us Research Program, National Institutes of Health
Classification: Uncertain significance for Hypertrophic cardiomyopathy. Last evaluated: 2023-05-04. Review status: criteria provided, single submitter. Criteria: ACMG Guidelines, 2015. Collection method: clinical testing. Allele origin: germline. Inheritance: Autosomal dominant inheritance. Observed: 1 variant allele, 1 heterozygote.
Comment: This variant causes an in-frame insertion of 25 amino acids of the MYL3 protein. To our knowledge, functional studies have not been reported for this variant. This variant has not been reported in individuals affected with MYL3-related disorders in the literature. This variant has not been identified in the general population by the Genome Aggregation Database (gnomAD). The available evidence is insufficient to determine the role of this variant in disease conclusively. Therefore, this variant is classified as a Variant of Uncertain Significance.

This study involves interpretation of variants in research participants for the purpose of population health screening. Participant phenotype was not available at the time of variant classification. Additional details can be found in publication PMID: 35346344, PMCID: PMC8962531